The following is an entry in ClinVar:

ClinVar aggregate classification (germline): Uncertain significance. Review status: criteria provided, multiple submitters, no conflicts (2 of 4 stars). 2 submissions from 2 submitters: Uncertain significance (2). Last evaluated 2025-11-18.

Conditions:
Inborn genetic diseases. Identifiers: MedGen C0950123, MeSH D030342.

Allele frequency attached by ClinVar (database versions not stated): gnomAD 0.00006; 1000 Genomes Project 30x 0.00016; 1000 Genomes Project 0.00020.
gnomAD v4.1: 75 of 1,614,104 alleles (0.0046%); highest among the groups gnomAD compares: Middle Eastern, 0.017%; no homozygotes.

Submissions (2):

Labcorp Genetics (formerly Invitae), Labcorp
Classification: Uncertain significance. Last evaluated: 2025-11-18. Review status: criteria provided, single submitter. Criteria: Invitae Variant Classification Sherloc (09022015). Collection method: clinical testing. Allele origin: germline.
Comment: This sequence change replaces proline, which is neutral and non-polar, with arginine, which is basic and polar, at codon 1494 of the DUOX2 protein (p.Pro1494Arg). This variant is present in population databases (rs576041718, gnomAD 0.02%). This variant has not been reported in the literature in individuals affected with DUOX2-related conditions. ClinVar contains an entry for this variant (Variation ID: 1444132). An algorithm developed to predict the effect of missense changes on protein structure and function (PolyPhen-2) suggests that this variant is likely to be disruptive. In summary, the available evidence is currently insufficient to determine the role of this variant in disease. Therefore, it has been classified as a Variant of Uncertain Significance.

Ambry Genetics
Classification: Uncertain significance for Inborn genetic diseases. Last evaluated: 2022-08-01. Review status: criteria provided, single submitter. Criteria: Ambry Variant Classification Scheme 2023. Collection method: clinical testing. Allele origin: germline.

NM_001363711.2(DUOX2):c.4481C>G (p.Pro1494Arg)

Gene: DUOX2 (dual oxidase 2; minus strand). Cytogenetic location: 15q21.1.
Variant type: single nucleotide variant.
Coding change: c.4481C>G on transcript NM_001363711.2 (MANE Select); coding-DNA position 4481, C replaced by G.
Protein change: p.Pro1494Arg; replaces proline 1494 with arginine.
Molecular consequence: missense variant.
Genome position (GRCh38, 1-based): chr15:45,094,606, G>C on the plus strand (C>G on the coding strand, the complement: DUOX2 is on the minus strand). VCF-style: chr15-45094606-G-C. GRCh37 (hg19) VCF-style: chr15-45386804-G-C.
Other names: c.4481C>G (NM_014080.4); c.4481C>G, p.Pro1494Arg (NM_014080.5); short protein forms P1494R.
Identifiers: ClinVar variation 1444132 (VCV001444132.8), dbSNP rs576041718, ClinGen allele CA7537497.